The following is an entry in ClinVar:

ClinVar aggregate classification (germline): Benign/Likely benign. Review status: criteria provided, multiple submitters, no conflicts (2 of 4 stars). 15 submissions from 15 submitters: Benign (9); Likely benign (5). 1 of the submissions does not count toward it. Last evaluated 2026-01-26.

Conditions:
Lymphangiomyomatosis (LAM). Also called: Lymphangioleiomyomatosis; Lymphangioleiomyomatosis, somatic. Identifiers: Orphanet 538, MedGen C0751674, MONDO:0011705, OMIM 606690.
Isolated focal cortical dysplasia type II (FCORD2). Also called: CORTICAL DYSPLASIA OF TAYLOR; Focal cortical dysplasia type II. Identifiers: Orphanet 268994, MedGen C1846385, MONDO:0011818, OMIM 607341, HP:0032051.
Tuberous sclerosis 2 (TSC2). Identifiers: Orphanet 805, MedGen C1860707, MONDO:0013199, OMIM 613254.
Hereditary cancer-predisposing syndrome. Also called: Hereditary Cancer Syndrome; Tumor predisposition; Neoplastic Syndromes, Hereditary; Hereditary neoplastic syndrome. Identifiers: Orphanet 140162, MedGen C0027672, MeSH D009386, MONDO:0015356.
Tuberous sclerosis syndrome (TSC). Also called: Tuberous Sclerosis Complex; Tuberous sclerosis. Identifiers: Orphanet 805, MedGen C0041341, MONDO:0001734.

Allele frequency attached by ClinVar (database versions not stated): gnomAD exomes 0.00017 and 0.00008; ExAC 0.00060; ESP Exome Variant Server 0.00077; 1000 Genomes Project 30x 0.00078; TOPMed 0.00085; gnomAD 0.00086 and 0.00096; 1000 Genomes Project 0.00100.

Submissions (15):

Labcorp Genetics (formerly Invitae), Labcorp
Classification: Benign for Tuberous sclerosis 2. Last evaluated: 2026-01-26. Review status: criteria provided, single submitter. Criteria: Invitae Variant Classification Sherloc (09022015). Collection method: clinical testing. Allele origin: germline.

CeGaT Center for Human Genetics Tuebingen
Classification: Likely benign. Last evaluated: 2025-10-01. Review status: criteria provided, single submitter. Criteria: CeGaT Center For Human Genetics Tuebingen Variant Classification Criteria Version 2. Collection method: clinical testing. Allele origin: germline. Affected: yes. Observed: 2 variant alleles.
Comment: TSC2: BP4, BP7

Myriad Genetics, Inc.
Classification: Benign for Tuberous sclerosis 2. Last evaluated: 2025-05-02. Review status: criteria provided, single submitter. Criteria: Myriad Autosomal Dominant, Autosomal Recessive and X-Linked Classification Criteria (2023). Collection method: clinical testing. Allele origin: unknown.
Comment: This variant is considered benign. This variant is a silent/synonymous amino acid change and it is not expected to impact splicing.

All of Us Research Program, National Institutes of Health
Classification: Benign for Tuberous sclerosis syndrome. Last evaluated: 2024-02-05. Review status: criteria provided, single submitter. Criteria: ACMG Guidelines, 2015. Collection method: clinical testing. Allele origin: germline. Inheritance: Autosomal dominant inheritance. Observed: 54 variant alleles, 54 heterozygotes.
Comment: This study involves interpretation of variants in research participants for the purpose of population health screening. Participant phenotype was not available at the time of variant classification. Additional details can be found in publication PMID: 35346344, PMCID: PMC8962531

ARUP Laboratories, Molecular Genetics and Genomics, ARUP Laboratories
Classification: Benign. Last evaluated: 2023-09-11. Review status: criteria provided, single submitter. Criteria: ARUP Molecular Germline Variant Investigation Process 2024. Collection method: clinical testing. Allele origin: germline.

Color Diagnostics, LLC DBA Color Health
Classification: Benign for Tuberous sclerosis syndrome. Last evaluated: 2022-09-07. Review status: criteria provided, single submitter. Criteria: ACMG Guidelines, 2015. Collection method: clinical testing. Allele origin: germline.

Fulgent Genetics
Classification: Likely benign for Lymphangiomyomatosis; Isolated focal cortical dysplasia type II; Tuberous sclerosis 2. Last evaluated: 2021-12-20. Review status: criteria provided, single submitter. Criteria: ACMG Guidelines, 2015. Collection method: clinical testing. Allele origin: unknown.

Genome-Nilou Lab
Classification: Benign for Tuberous sclerosis 2. Last evaluated: 2021-11-07. Review status: criteria provided, single submitter. Criteria: ACMG Guidelines, 2015. Collection method: clinical testing. Allele origin: germline. Affected: no.

Sema4
Classification: Benign for Hereditary cancer-predisposing syndrome. Last evaluated: 2021-01-26. Review status: criteria provided, single submitter. Criteria: Sema4 Curation Guidelines. Collection method: curation. Allele origin: germline.

Ambry Genetics
Classification: Likely benign for Hereditary cancer-predisposing syndrome. Last evaluated: 2019-02-01. Review status: criteria provided, single submitter. Criteria: Ambry Variant Classification Scheme 2023. Collection method: clinical testing. Allele origin: germline.

Illumina Laboratory Services, Illumina
Classification: Benign for Tuberous sclerosis syndrome. Last evaluated: 2018-01-12. Review status: criteria provided, single submitter. Criteria: ICSL Variant Classification Criteria 13 December 2019. Collection method: clinical testing. Allele origin: germline.
Comment: This variant was observed in the ICSL laboratory as part of a predisposition screen in an ostensibly healthy population. It had not been previously curated by ICSL or reported in the Human Gene Mutation Database (HGMD: prior to June 1st, 2018), and was therefore a candidate for classification through an automated scoring system. Utilizing variant allele frequency, disease prevalence and penetrance estimates, and inheritance mode, an automated score was calculated to assess if this variant is too frequent to cause the disease. Based on the score and internal cut-off values, a variant classified as benign is not then subjected to further curation. The score for this variant resulted in a classification of benign for this disease.

Eurofins Ntd Llc (ga)
Classification: Likely benign. Last evaluated: 2017-06-20. Review status: criteria provided, single submitter. Criteria: EGL Classification Definitions 2015. Collection method: clinical testing. Allele origin: germline. Observed: 1 variant allele, 1 heterozygote.

GeneDx
Classification: Benign. Last evaluated: 2014-04-17. Review status: criteria provided, single submitter. Criteria: GeneDx Variant Classification (06012015). Collection method: clinical testing. Allele origin: germline. Affected: yes.
Comment: This variant is considered likely benign or benign based on one or more of the following criteria: it is a conservative change, it occurs at a poorly conserved position in the protein, it is predicted to be benign by multiple in silico algorithms, and/or has population frequency not consistent with disease.

Breakthrough Genomics
Classification: Likely benign. Review status: criteria provided, single submitter. Criteria: ACMG Guidelines, 2015. Collection method: not provided. Allele origin: germline. Inheritance: Autosomal dominant inheritance. Affected: yes.

Tuberous sclerosis database (TSC2)
No classification provided. Condition: TSC. Review status: no classification provided. Criteria: Tuberous Sclerosis Database Assertion Criteria 2015. Collection method: curation. Allele origin: germline. Affected: yes. Not counted in ClinVar's aggregate classification.

Literature cited by the submitters: PubMed 15798777 (cited by Ambry Genetics).

NM_000548.5(TSC2):c.262C>T (p.Leu88=)

Gene: TSC2 (TSC complex subunit 2; plus strand). Cytogenetic location: 16p13.3.
Variant type: single nucleotide variant.
Coding change: c.262C>T on transcript NM_000548.5 (MANE Select); coding-DNA position 262, C replaced by T.
Protein change: p.Leu88=; no amino-acid change (leucine 88 retained).
Molecular consequence: synonymous variant. On other transcripts: intron variant (2).
Genome position (GRCh38, 1-based): chr16:2,053,378, C>T. VCF-style: chr16-2053378-C-T. GRCh37 (hg19) VCF-style: chr16-2103379-C-T.
Other names: p.L88L:CTG>TTG; c.262C>T, p.Leu88= (NM_001077183.3, NM_001114382.3, NM_001363528.2 and 3 more transcripts); c.115C>T, p.Leu39= (NM_001318829.2); c.295C>T, p.Leu99= (NM_001318832.2); c.226-918C>T (NM_001318827.2); c.-1-2818C>T (NM_001318831.2).
Identifiers: ClinVar variation 49217 (VCV000049217.52), dbSNP rs45485999, ClinGen allele CA017731.
Genomic context (GRCh38, chr16:2,053,378, plus strand): 5'-CGCTGTCCCCTCTGCTGGTGACAGCACGCAGTGGAAGCACTCTGGAAGGCGGTCGCGGAT[C>T]TGTTGCAGCCGGAGCGGCCGCTGGAGGCCCGGCACGCGGTGCTGGCTCTGCTGAAGGCCA-3'
Protein context (NP_000539.2, residues 78-98): VEALWKAVAD[Leu88=]LQPERPLEAR